The following is an entry in ClinVar:

NM_000914.5(OPRM1):c.-25C>T

Gene: OPRM1 (opioid receptor mu 1; plus strand). Cytogenetic location: 6q25.2.
Variant type: single nucleotide variant.
Coding change: c.-25C>T on transcript NM_000914.5 (MANE Select); 25 bases upstream of the start codon, C replaced by T.
Molecular consequence: 5 prime UTR variant. On other transcripts: synonymous variant (2), non-coding transcript variant (4), intron variant (2).
Genome position (GRCh38, 1-based): chr6:154,039,520, C>T. VCF-style: chr6-154039520-C-T. GRCh37 (hg19) VCF-style: chr6-154360655-C-T.
Other names: c.-25C>T (NM_001008503.3, NM_001008504.4, NM_001008505.2 and 7 more transcripts); c.255C>T, p.Ser85= (NM_001145279.4, NM_001285524.1); c.-11+28502C>T (NM_001145280.4); c.47+28961C>T (NM_001145281.3).
Identifiers: ClinVar variation 829269 (VCV000829269.26), dbSNP rs41292890, ClinGen allele CA4061332.

ClinVar aggregate classification (germline): Likely benign. Review status: criteria provided, single submitter (1 of 4 stars). 2 submissions from 2 submitters: Likely benign (1). 1 of the submissions does not count toward it. Last evaluated 2023-04-01.

Conditions:
Tramadol response. Also called: Ultram response. Identifiers: MedGen CN078023.

Allele frequency attached by ClinVar (database versions not stated): gnomAD 0.00226; 1000 Genomes Project 0.00240; ESP Exome Variant Server 0.00250; 1000 Genomes Project 30x 0.00297; TOPMed 0.00300; gnomAD exomes 0.00351 and 0.00373; ExAC 0.00794.
gnomAD v4.1: 5,858 of 1,594,948 alleles (0.37%); highest among the groups gnomAD compares: Middle Eastern, 0.93%; 13 homozygotes.

Submissions (2):

CeGaT Center for Human Genetics Tuebingen
Classification: Likely benign. Last evaluated: 2023-04-01. Review status: criteria provided, single submitter. Criteria: CeGaT Center For Human Genetics Tuebingen Variant Classification Criteria Version 2. Collection method: clinical testing. Allele origin: germline. Affected: yes. Observed: 1 variant allele.
Comment: OPRM1: BP4, BP7

Bruce Budowle Laboratory, University of North Texas Health Science Center
Classification: drug response for Tramadol response. Last evaluated: 2018-04-28. Review status: no assertion criteria provided. Collection method: research. Allele origin: somatic. Affected: yes. Observed: 204 variant alleles. Not counted in ClinVar's aggregate classification.